The following is an entry in ClinVar:

NM_004958.4(MTOR):c.6650G>A (p.Arg2217Gln)

Gene: MTOR (mechanistic target of rapamycin kinase; minus strand). Cytogenetic location: 1p36.22.
Variant type: single nucleotide variant.
Coding change: c.6650G>A on transcript NM_004958.4 (MANE Select); coding-DNA position 6650, G replaced by A.
Protein change: p.Arg2217Gln; replaces arginine 2217 with glutamine.
Molecular consequence: missense variant.
Genome position (GRCh38, 1-based): chr1:11,124,510, C>T on the plus strand (G>A on the coding strand, the complement: MTOR is on the minus strand). VCF-style: chr1-11124510-C-T. GRCh37 (hg19) VCF-style: chr1-11184567-C-T.
Other names: c.6650G>A, p.Arg2217Gln (NM_001386500.1); c.5402G>A, p.Arg1801Gln (NM_001386501.1); short protein forms R2217Q, R1801Q.
Identifiers: ClinVar variation 2591035 (VCV002591035.6), dbSNP rs1642719052, ClinGen allele CA338387252.
Genomic context (GRCh38, chr1:11,124,510, plus strand): 5'-AAACCAGAAGACTTCTCAAATTGTTGCCATTTCAGGGTTTCTGAATACCTGAGGTTTTTC[C>T]GAAGAGATGTTGGGTCATTGGCCAGAAGGGTGTTAACCAGGCCGAAGAGCTGCATCACAC-3'
Protein context (NP_004949.1, residues 2207-2227): TLLANDPTSL[Arg2217Gln]KNLSIQRYAV

ClinVar aggregate classification (germline): Uncertain significance. Review status: criteria provided, multiple submitters, no conflicts (2 of 4 stars). 2 submissions from 2 submitters: Uncertain significance (2). Last evaluated 2026-07-01.

Conditions:
Inborn genetic diseases. Identifiers: MedGen C0950123, MeSH D030342.

Allele frequency attached by ClinVar (database versions not stated): TOPMed below 0.00001; gnomAD exomes 0.00002.
gnomAD v4.1: 22 of 1,605,670 alleles (0.0014%); highest among the groups gnomAD compares: East Asian, 0.0022%; no homozygotes.

Submissions (2):

CeGaT Center for Human Genetics Tuebingen
Classification: Uncertain significance. Last evaluated: 2026-07-01. Review status: criteria provided, single submitter. Criteria: CeGaT Center For Human Genetics Tuebingen Variant Classification Criteria Version 2. Collection method: clinical testing. Allele origin: germline. Affected: yes. Observed: 2 variant alleles.
Comment: MTOR: PP2

Ambry Genetics
Classification: Uncertain significance for Inborn genetic diseases. Last evaluated: 2023-09-13. Review status: criteria provided, single submitter. Criteria: Ambry Variant Classification Scheme 2023. Collection method: clinical testing. Allele origin: germline.